The following is an entry in ClinVar:

NC_000010.10:g.(?_73892899)_(73901366_?)del

Gene: ASCC1 (activating signal cointegrator 1 complex subunit 1; minus strand). Cytogenetic location: 10q22.1.
Variant type: Deletion.
Identifiers: ClinVar variation 3244963 (VCV003244963.1).

ClinVar aggregate classification (germline): Likely pathogenic (1 of 4 stars; one submission).

Submission:

Labcorp Genetics (formerly Invitae), Labcorp
Classification: Likely pathogenic. Last evaluated: 2023-09-06. Review status: criteria provided, single submitter. Criteria: Invitae Variant Classification Sherloc (09022015). Collection method: clinical testing. Allele origin: unknown.
Comment: This variant results in the deletion of part of exon 8 (c.747-8427_787del) of the ASCC1 gene. It is expected to disrupt RNA splicing. Variants that disrupt the donor or acceptor splice site typically lead to a loss of protein function (PMID: 16199547), and loss-of-function variants in ASCC1 are known to be pathogenic (PMID: 30327447). This variant has not been reported in the literature in individuals affected with ASCC1-related conditions. In summary, the currently available evidence indicates that the variant is pathogenic, but additional data are needed to prove that conclusively. Therefore, this variant has been classified as Likely Pathogenic.

Literature cited by the submitters: PubMed 16199547; PubMed 30327447.